The following is an entry in ClinVar:

NM_000245.4(MET):c.2725A>G (p.Ile909Val)

Gene: MET (MET proto-oncogene, receptor tyrosine kinase; plus strand). Cytogenetic location: 7q31.2.
Variant type: single nucleotide variant.
Coding change: c.2725A>G on transcript NM_000245.4 (MANE Select); coding-DNA position 2725, A replaced by G.
Protein change: p.Ile909Val; replaces isoleucine 909 with valine.
Molecular consequence: missense variant.
Genome position (GRCh38, 1-based): chr7:116,769,786, A>G. VCF-style: chr7-116769786-A-G. GRCh37 (hg19) VCF-style: chr7-116409840-A-G.
Other names: c.2779A>G, p.Ile927Val (NM_001127500.3); c.2725A>G, p.Ile909Val (NM_001324401.3); c.1435A>G, p.Ile479Val (NM_001324402.2); short protein forms I479V, I927V, I909V.
Identifiers: ClinVar variation 1795881 (VCV001795881.2), dbSNP rs2116984661, ClinGen allele CA368985875.

ClinVar aggregate classification (germline): Uncertain significance (1 of 4 stars; one submission).

Conditions:
Hereditary cancer-predisposing syndrome. Also called: Tumor predisposition; Hereditary Cancer Syndrome; Neoplastic Syndromes, Hereditary; Hereditary neoplastic syndrome. Identifiers: Orphanet 140162, MedGen C0027672, MeSH D009386, MONDO:0015356.

Submission:

Ambry Genetics
Classification: Uncertain significance for Hereditary cancer-predisposing syndrome. Last evaluated: 2022-09-04. Review status: criteria provided, single submitter. Criteria: Ambry Variant Classification Scheme 2023. Collection method: clinical testing. Allele origin: germline.
Comment: The p.I927V variant (also known as c.2779A>G), located in coding exon 11 of the MET gene, results from an A to G substitution at nucleotide position 2779. The isoleucine at codon 927 is replaced by valine, an amino acid with highly similar properties. This amino acid position is conserved. In addition, this alteration is predicted to be tolerated by in silico analysis. Since supporting evidence is limited at this time, the clinical significance of this alteration remains unclear.